The following is an entry in ClinVar:

ClinVar aggregate classification (germline): Uncertain significance (1 of 4 stars; one submission).

Allele frequency attached by ClinVar (database versions not stated): gnomAD exomes below 0.00001; TOPMed below 0.00001.
gnomAD v4.1: 3 of 1,490,194 alleles (0.0002%); highest among the groups gnomAD compares: Non-Finnish European, 0.00018%; no homozygotes.

Submission:

Labcorp Genetics (formerly Invitae), Labcorp
Classification: Uncertain significance. Last evaluated: 2021-11-05. Review status: criteria provided, single submitter. Criteria: Invitae Variant Classification Sherloc (09022015). Collection method: clinical testing. Allele origin: germline.
Comment: In summary, the available evidence is currently insufficient to determine the role of this variant in disease. Therefore, it has been classified as a Variant of Uncertain Significance. Algorithms developed to predict the effect of missense changes on protein structure and function are either unavailable or do not agree on the potential impact of this missense change (SIFT: "Deleterious"; PolyPhen-2: "Benign"; Align-GVGD: "Class C0"). This variant has not been reported in the literature in individuals affected with PLOD3-related conditions. This variant is not present in population databases (gnomAD no frequency). This sequence change replaces asparagine, which is neutral and polar, with serine, which is neutral and polar, at codon 35 of the PLOD3 protein (p.Asn35Ser).

NM_001084.5(PLOD3):c.104A>G (p.Asn35Ser)

Gene: PLOD3 (procollagen-lysine,2-oxoglutarate 5-dioxygenase 3; minus strand). Cytogenetic location: 7q22.1.
Variant type: single nucleotide variant.
Coding change: c.104A>G on transcript NM_001084.5 (MANE Select); coding-DNA position 104, A replaced by G.
Protein change: p.Asn35Ser; replaces asparagine 35 with serine.
Molecular consequence: missense variant.
Genome position (GRCh38, 1-based): chr7:101,217,171, T>C on the plus strand (A>G on the coding strand, the complement: PLOD3 is on the minus strand). VCF-style: chr7-101217171-T-C. GRCh37 (hg19) VCF-style: chr7-100860452-T-C.
Other names: short protein forms N35S.
Identifiers: ClinVar variation 1350001 (VCV001350001.4), dbSNP rs1798291634, ClinGen allele CA368627909.
Genomic context (GRCh38, chr7:101,217,171, plus strand): 5'-GCAGGCACGCCAGCCTCTGCCCCCTCGGCCGTGCCGGGCCTCCCCGGGATCTCACCTGGG[T>C]TGACCGGGTCTCGGCCCCGGGGCCGGTCGGAGGCTGAGGCCGCAGGGGGCAGCAGCAGCG-3'
Protein context (NP_001075.1, residues 25-45): SDRPRGRDPV[Asn35Ser]PEKLLVITVA